The following is an entry in ClinVar:

ClinVar aggregate classification (germline): Conflicting classifications of pathogenicity. Review status: criteria provided, conflicting classifications (1 of 4 stars). 2 submissions from 2 submitters: Uncertain significance (1); Likely benign (1). Last evaluated 2026-01-06.

Allele frequency attached by ClinVar (database versions not stated): gnomAD 0.00004; TOPMed 0.00004; ExAC 0.00011.
gnomAD v4.1: 38 of 1,613,822 alleles (0.0024%); highest among the groups gnomAD compares: East Asian, 0.082%; no homozygotes.

Submissions (2):

Labcorp Genetics (formerly Invitae), Labcorp
Classification: Likely benign. Last evaluated: 2026-01-06. Review status: criteria provided, single submitter. Criteria: Invitae Variant Classification Sherloc (09022015). Collection method: clinical testing. Allele origin: germline.

Ambry Genetics
Classification: Uncertain significance. Last evaluated: 2022-12-18. Review status: criteria provided, single submitter. Criteria: Ambry Variant Classification Scheme 2023. Collection method: clinical testing. Allele origin: germline.
Comment: The p.E256Q variant (also known as c.766G>C), located in coding exon 2 of the TERF2IP gene, results from a G to C substitution at nucleotide position 766. The glutamic acid at codon 256 is replaced by glutamine, an amino acid with highly similar properties. This amino acid position is conserved. In addition, this alteration is predicted to be tolerated by in silico analysis. Since supporting evidence is limited at this time, the clinical significance of this alteration remains unclear.

NM_018975.4(TERF2IP):c.766G>C (p.Glu256Gln)

Gene: TERF2IP (TERF2 interacting protein; plus strand). Cytogenetic location: 16q23.1.
Variant type: single nucleotide variant.
Coding change: c.766G>C on transcript NM_018975.4 (MANE Select); coding-DNA position 766, G replaced by C.
Protein change: p.Glu256Gln; replaces glutamic acid 256 with glutamine.
Molecular consequence: missense variant. On other transcripts: non-coding transcript variant (1).
Genome position (GRCh38, 1-based): chr16:75,654,368, G>C. VCF-style: chr16-75654368-G-C. GRCh37 (hg19) VCF-style: chr16-75688266-G-C.
Other names: c.766G>C (NM_018975.3); short protein forms E256Q.
Identifiers: ClinVar variation 2067581 (VCV002067581.6), dbSNP rs754625905, ClinGen allele CA8178074.
Genomic context (GRCh38, chr16:75,654,368, plus strand): 5'-GAAGAGTATGTGAAGGAAGAAATCCAGGAGAATGAAGAAGCAGTCAAAAAGATGCTTGTG[G>C]AAGCCACCCGGGAGTTTGAGGAGGTTGTGGTATGTTAACTAGATTTACTCATTATTTTTT-3'
Protein context (NP_061848.2, residues 246-266): NEEAVKKMLV[Glu256Gln]ATREFEEVVV